The following is an entry in ClinVar:

NM_001267550.2(TTN):c.965G>A (p.Arg322Lys)

Gene: TTN (titin; minus strand). Cytogenetic location: 2q31.2.
Variant type: single nucleotide variant.
Coding change: c.965G>A on transcript NM_001267550.2 (MANE Select); coding-DNA position 965, G replaced by A.
Protein change: p.Arg322Lys; replaces arginine 322 with lysine.
Molecular consequence: missense variant.
Genome position (GRCh38, 1-based): chr2:178,795,202, C>T on the plus strand (G>A on the coding strand, the complement: TTN is on the minus strand). VCF-style: chr2-178795202-C-T. GRCh37 (hg19) VCF-style: chr2-179659929-C-T.
Other names: c.965G>A, p.Arg322Lys (NM_001256850.1, NM_003319.4, NM_133379.5 and 3 more transcripts); short protein forms R322K.
Identifiers: ClinVar variation 166357 (VCV000166357.5), dbSNP rs144557211, ClinGen allele CA179440.

ClinVar aggregate classification (germline): Likely benign (1 of 4 stars; one submission).

gnomAD v4.1: 1 of 1,614,136 alleles (0.000062%); highest among the groups gnomAD compares: Non-Finnish European, 0.000085%; no homozygotes.

Submission:

Laboratory for Molecular Medicine, Mass General Brigham Personalized Medicine
Classification: Likely benign. Last evaluated: 2013-08-23. Review status: criteria provided, single submitter. Criteria: LMM Criteria. Collection method: clinical testing. Allele origin: germline. Observed: 1 variant allele.
Comment: Arg322Lys in exon 7 of TTN: This variant is not expected to have clinical signif icance due to a lack of conservation in mammals and across species. Of note, >10 mammals have a lysine (Lys; this variant) at this position despite high nearby amino acid conservation. Additional computational analyses (AlignGVGD, PolyPhen2 , SIFT) do not suggest a high likelihood of impact to the protein. This variant has been identified in 2/4406 African American chromosomes by the NHLBI Exome Se quencing Project.